The following is an entry in ClinVar:

ClinVar aggregate classification (germline): Uncertain significance (1 of 4 stars; one submission).

Allele frequency attached by ClinVar (database versions not stated): TOPMed below 0.00001.

Submission:

Labcorp Genetics (formerly Invitae), Labcorp
Classification: Uncertain significance. Last evaluated: 2022-06-13. Review status: criteria provided, single submitter. Criteria: Invitae Variant Classification Sherloc (09022015). Collection method: clinical testing. Allele origin: germline.
Comment: In summary, the available evidence is currently insufficient to determine the role of this variant in disease. Therefore, it has been classified as a Variant of Uncertain Significance. Algorithms developed to predict the effect of missense changes on protein structure and function output the following: SIFT: "Not Available"; PolyPhen-2: "Benign"; Align-GVGD: "Not Available". The arginine amino acid residue is found in multiple mammalian species, which suggests that this missense change does not adversely affect protein function. ClinVar contains an entry for this variant (Variation ID: 857104). This variant has not been reported in the literature in individuals affected with CEP250-related conditions. This variant is not present in population databases (gnomAD no frequency). This sequence change replaces glutamine, which is neutral and polar, with arginine, which is basic and polar, at codon 1335 of the CEP250 protein (p.Gln1335Arg).

NM_007186.6(CEP250):c.4004A>G (p.Gln1335Arg)

Gene: CEP250 (centrosomal protein 250; plus strand). Cytogenetic location: 20q11.22.
Variant type: single nucleotide variant.
Coding change: c.4004A>G on transcript NM_007186.6 (MANE Select); coding-DNA position 4004, A replaced by G.
Protein change: p.Gln1335Arg; replaces glutamine 1335 with arginine.
Molecular consequence: missense variant.
Genome position (GRCh38, 1-based): chr20:35,501,950, A>G. VCF-style: chr20-35501950-A-G. GRCh37 (hg19) VCF-style: chr20-34089777-A-G.
Other names: c.2108A>G, p.Gln703Arg (NM_001318219.1); short protein forms Q1335R, Q703R.
Identifiers: ClinVar variation 857104 (VCV000857104.9), dbSNP rs1402828809, ClinGen allele CA408746744.